The following is an entry in ClinVar:

ClinVar aggregate classification (germline): Uncertain significance (1 of 4 stars; one submission).

Conditions:
Mitochondrial complex II deficiency, nuclear type 1. Also called: SUCCINATE CoQ REDUCTASE DEFICIENCY. Identifiers: Orphanet 3208, MedGen C5700310, MONDO:0100294, OMIM 252011.
Pheochromocytoma/paraganglioma syndrome 5. Also called: Paragangliomas 5; SDHA-Related Hereditary Paraganglioma-Pheochromocytoma Syndrome. Identifiers: Orphanet 29072, MedGen C3279992, MONDO:0013602, OMIM 614165.

Submission:

Labcorp Genetics (formerly Invitae), Labcorp
Classification: Uncertain significance for Pheochromocytoma/paraganglioma syndrome 5; Mitochondrial complex II deficiency, nuclear type 1. Last evaluated: 2025-07-29. Review status: criteria provided, single submitter. Criteria: Invitae Variant Classification Sherloc (09022015). Collection method: clinical testing. Allele origin: germline.
Comment: This sequence change falls in intron 2 of the SDHA gene. It does not directly change the encoded amino acid sequence of the SDHA protein. It affects a nucleotide within the consensus splice site. This variant is not present in population databases (gnomAD no frequency). This variant has not been reported in the literature in individuals affected with SDHA-related conditions. Variants that disrupt the consensus splice site are a relatively common cause of aberrant splicing (PMID: 17576681, 9536098). Algorithms developed to predict the effect of sequence changes on RNA splicing suggest that this variant may disrupt the consensus splice site. In summary, the available evidence is currently insufficient to determine the role of this variant in disease. Therefore, it has been classified as a Variant of Uncertain Significance.

Literature cited by the submitters: PubMed 17576681; PubMed 9536098.

NM_004168.4(SDHA):c.150+6T>A

Gene: SDHA (succinate dehydrogenase complex flavoprotein subunit A; plus strand). Cytogenetic location: 5p15.33.
Variant type: single nucleotide variant.
Coding change: c.150+6T>A on transcript NM_004168.4 (MANE Select); 6 bases into the intron after coding-DNA position 150, T replaced by A.
Molecular consequence: intron variant.
Genome position (GRCh38, 1-based): chr5:223,574, T>A. VCF-style: chr5-223574-T-A. GRCh37 (hg19) VCF-style: chr5-223689-T-A.
Other names: c.150+6T>A (NM_001330758.2, NM_001294332.2).
Identifiers: ClinVar variation 4785705 (VCV004785705.1).